The following is an entry in ClinVar:

ClinVar aggregate classification (germline): Uncertain significance. Review status: criteria provided, multiple submitters, no conflicts (2 of 4 stars). 3 submissions from 3 submitters: Uncertain significance (3). Last evaluated 2025-11-11.

Conditions:
PKD1L1-related disorder. Also called: PKD1L1-related condition.
Inborn genetic diseases. Identifiers: MedGen C0950123, MeSH D030342.

Allele frequency attached by ClinVar (database versions not stated): TOPMed 0.00002; gnomAD 0.00003; ExAC 0.00009; 1000 Genomes Project 30x 0.00016; 1000 Genomes Project 0.00020.
gnomAD v4.1: 27 of 1,613,666 alleles (0.0017%); highest among the groups gnomAD compares: East Asian, 0.058%; no homozygotes.

Submissions (3):

PreventionGenetics, part of Exact Sciences
Classification: Uncertain significance for PKD1L1-related condition. Last evaluated: 2025-11-11. Review status: criteria provided, single submitter. Criteria: ACMG Guidelines, 2015. Collection method: clinical testing. Allele origin: germline.
Comment: The PKD1L1 c.4052C>G variant is predicted to result in the amino acid substitution p.Ala1351Gly. To our knowledge, this variant has not been reported in the literature. This variant is reported in 0.13% of alleles in individuals of East Asian descent in gnomAD. Although we suspect this variant may be benign, at this time, the clinical significance of this variant is uncertain due to the absence of conclusive functional and genetic evidence.

Labcorp Genetics (formerly Invitae), Labcorp
Classification: Uncertain significance. Last evaluated: 2024-03-18. Review status: criteria provided, single submitter. Criteria: Invitae Variant Classification Sherloc (09022015). Collection method: clinical testing. Allele origin: germline.
Comment: This sequence change replaces alanine, which is neutral and non-polar, with glycine, which is neutral and non-polar, at codon 1351 of the PKD1L1 protein (p.Ala1351Gly). This variant is present in population databases (rs548784380, gnomAD 0.1%). This variant has not been reported in the literature in individuals affected with PKD1L1-related conditions. ClinVar contains an entry for this variant (Variation ID: 2296343). Advanced modeling of protein sequence and biophysical properties (such as structural, functional, and spatial information, amino acid conservation, physicochemical variation, residue mobility, and thermodynamic stability) performed at Invitae indicates that this missense variant is not expected to disrupt PKD1L1 protein function with a negative predictive value of 80%. In summary, the available evidence is currently insufficient to determine the role of this variant in disease. Therefore, it has been classified as a Variant of Uncertain Significance.

Ambry Genetics
Classification: Uncertain significance for Inborn genetic diseases. Last evaluated: 2022-03-31. Review status: criteria provided, single submitter. Criteria: Ambry Variant Classification Scheme 2023. Collection method: clinical testing. Allele origin: germline.

NM_138295.5(PKD1L1):c.4052C>G (p.Ala1351Gly)

Gene: PKD1L1 (polycystin 1 like 1, transient receptor potential channel interacting; minus strand). Cytogenetic location: 7p12.3.
Variant type: single nucleotide variant.
Coding change: c.4052C>G on transcript NM_138295.5 (MANE Select); coding-DNA position 4052, C replaced by G.
Protein change: p.Ala1351Gly; replaces alanine 1351 with glycine.
Molecular consequence: missense variant.
Genome position (GRCh38, 1-based): chr7:47,866,459, G>C on the plus strand (C>G on the coding strand, the complement: PKD1L1 is on the minus strand). VCF-style: chr7-47866459-G-C. GRCh37 (hg19) VCF-style: chr7-47906057-G-C.
Other names: short protein forms A1351G.
Identifiers: ClinVar variation 2296343 (VCV002296343.5), dbSNP rs548784380, ClinGen allele CA4253232.